The following is an entry in ClinVar:

ClinVar aggregate classification (germline): Uncertain significance. Review status: criteria provided, multiple submitters, no conflicts (2 of 4 stars). 2 submissions from 2 submitters: Uncertain significance (2). Last evaluated 2025-10-07.

Conditions:
Inborn genetic diseases. Identifiers: MedGen C0950123, MeSH D030342.

Allele frequency attached by ClinVar (database versions not stated): TOPMed below 0.00001; gnomAD exomes 0.00001.
gnomAD v4.1: 6 of 1,613,788 alleles (0.00037%); highest among the groups gnomAD compares: South Asian, 0.0055%; no homozygotes.

Submissions (2):

Ambry Genetics
Classification: Uncertain significance for Inborn genetic diseases. Last evaluated: 2025-10-07. Review status: criteria provided, single submitter. Criteria: Ambry Variant Classification Scheme 2023. Collection method: clinical testing. Allele origin: germline.

Labcorp Genetics (formerly Invitae), Labcorp
Classification: Uncertain significance. Last evaluated: 2021-09-24. Review status: criteria provided, single submitter. Criteria: Invitae Variant Classification Sherloc (09022015). Collection method: clinical testing. Allele origin: germline.
Comment: This sequence change replaces isoleucine with threonine at codon 778 of the PCLO protein (p.Ile778Thr). The isoleucine residue is weakly conserved and there is a moderate physicochemical difference between isoleucine and threonine. This variant is not present in population databases (ExAC no frequency). This variant has not been reported in the literature in individuals with PCLO-related conditions. Algorithms developed to predict the effect of missense changes on protein structure and function output the following: SIFT: "Tolerated"; PolyPhen-2: "Not Available"; Align-GVGD: "Class C0". The threonine amino acid residue is found in multiple mammalian species, suggesting that this missense change does not adversely affect protein function. These predictions have not been confirmed by published functional studies and their clinical significance is uncertain. In summary, the available evidence is currently insufficient to determine the role of this variant in disease. Therefore, it has been classified as a Variant of Uncertain Significance.

NM_033026.6(PCLO):c.2333T>C (p.Ile778Thr)

Gene: PCLO (piccolo presynaptic cytomatrix protein; minus strand). Cytogenetic location: 7q21.11.
Variant type: single nucleotide variant.
Coding change: c.2333T>C on transcript NM_033026.6 (MANE Select); coding-DNA position 2333, T replaced by C.
Protein change: p.Ile778Thr; replaces isoleucine 778 with threonine.
Molecular consequence: missense variant.
Genome position (GRCh38, 1-based): chr7:83,135,217, A>G on the plus strand (T>C on the coding strand, the complement: PCLO is on the minus strand). VCF-style: chr7-83135217-A-G. GRCh37 (hg19) VCF-style: chr7-82764533-A-G.
Other names: c.2333T>C, p.Ile778Thr (NM_014510.3); c.2333T>C (NM_033026.5); short protein forms I778T.
Identifiers: ClinVar variation 1516294 (VCV001516294.6), dbSNP rs1791691635, ClinGen allele CA367902972.